The following is an entry in ClinVar:

ClinVar aggregate classification (germline): Uncertain significance (1 of 4 stars; one submission).

gnomAD v4.1: 1 of 1,614,088 alleles (0.000062%); highest among the groups gnomAD compares: Non-Finnish European, 0.000085%; no homozygotes.

Submission:

Labcorp Genetics (formerly Invitae), Labcorp
Classification: Uncertain significance. Last evaluated: 2023-12-20. Review status: criteria provided, single submitter. Criteria: Invitae Variant Classification Sherloc (09022015). Collection method: clinical testing. Allele origin: germline.
Comment: This sequence change replaces isoleucine, which is neutral and non-polar, with asparagine, which is neutral and polar, at codon 501 of the KANK4 protein (p.Ile501Asn). This variant is not present in population databases (gnomAD no frequency). This variant has not been reported in the literature in individuals affected with KANK4-related conditions. An algorithm developed to predict the effect of missense changes on protein structure and function (PolyPhen-2) suggests that this variant is likely to be tolerated. In summary, the available evidence is currently insufficient to determine the role of this variant in disease. Therefore, it has been classified as a Variant of Uncertain Significance.

NM_181712.5(KANK4):c.1502T>A (p.Ile501Asn)

Gene: KANK4 (KN motif and ankyrin repeat domains 4; minus strand). Cytogenetic location: 1p31.3.
Variant type: single nucleotide variant.
Coding change: c.1502T>A on transcript NM_181712.5 (MANE Select); coding-DNA position 1502, T replaced by A.
Protein change: p.Ile501Asn; replaces isoleucine 501 with asparagine.
Molecular consequence: missense variant. On other transcripts: intron variant (1).
Genome position (GRCh38, 1-based): chr1:62,273,602, A>T on the plus strand (T>A on the coding strand, the complement: KANK4 is on the minus strand). VCF-style: chr1-62273602-A-T. GRCh37 (hg19) VCF-style: chr1-62739274-A-T.
Other names: c.17-2013T>A (NM_001320269.2); short protein forms I501N.
Identifiers: ClinVar variation 2789592 (VCV002789592.3), dbSNP rs1259491777, ClinGen allele CA340612752.